The following is an entry in ClinVar:

NM_057175.5(NAA15):c.758G>T (p.Arg253Ile)

Gene: NAA15 (N-alpha-acetyltransferase 15, NatA auxiliary subunit; plus strand). Cytogenetic location: 4q31.1.
Variant type: single nucleotide variant.
Coding change: c.758G>T on transcript NM_057175.5 (MANE Select); coding-DNA position 758, G replaced by T.
Protein change: p.Arg253Ile; replaces arginine 253 with isoleucine.
Molecular consequence: missense variant.
Genome position (GRCh38, 1-based): chr4:139,349,528, G>T. VCF-style: chr4-139349528-G-T. GRCh37 (hg19) VCF-style: chr4-140270682-G-T.
Other names: c.758G>T, p.Arg253Ile (NM_001410842.1); short protein forms R253I.
Identifiers: ClinVar variation 3906312 (VCV003906312.1).

ClinVar aggregate classification (germline): Uncertain significance (1 of 4 stars; one submission).

Submission:

GeneDx
Classification: Uncertain significance. Last evaluated: 2024-12-19. Review status: criteria provided, single submitter. Criteria: GeneDx Variant Classification Process June 2021. Collection method: clinical testing. Allele origin: germline. Affected: yes.
Comment: Not observed at significant frequency in large population cohorts (gnomAD); In silico analysis supports that this missense variant has a deleterious effect on protein structure/function; Has not been previously published as pathogenic or benign to our knowledge